The following is an entry in ClinVar:

NM_021813.4(BACH2):c.1411G>C (p.Gly471Arg)

Gene: BACH2 (BACH transcriptional regulator 2; minus strand). Cytogenetic location: 6q15.
Variant type: single nucleotide variant.
Coding change: c.1411G>C on transcript NM_021813.4 (MANE Select); coding-DNA position 1411, G replaced by C.
Protein change: p.Gly471Arg; replaces glycine 471 with arginine.
Molecular consequence: missense variant.
Genome position (GRCh38, 1-based): chr6:89,950,695, C>G on the plus strand (G>C on the coding strand, the complement: BACH2 is on the minus strand). VCF-style: chr6-89950695-C-G. GRCh37 (hg19) VCF-style: chr6-90660414-C-G.
Other names: c.1411G>C, p.Gly471Arg (NM_001170794.2); short protein forms G471R.
Identifiers: ClinVar variation 1945661 (VCV001945661.5), dbSNP rs548454955, ClinGen allele CA365070894.

ClinVar aggregate classification (germline): Uncertain significance (1 of 4 stars; one submission).

Submission:

Labcorp Genetics (formerly Invitae), Labcorp
Classification: Uncertain significance. Last evaluated: 2022-10-27. Review status: criteria provided, single submitter. Criteria: Invitae Variant Classification Sherloc (09022015). Collection method: clinical testing. Allele origin: germline.
Comment: In summary, the available evidence is currently insufficient to determine the role of this variant in disease. Therefore, it has been classified as a Variant of Uncertain Significance. Advanced modeling of protein sequence and biophysical properties (such as structural, functional, and spatial information, amino acid conservation, physicochemical variation, residue mobility, and thermodynamic stability) performed at Invitae indicates that this missense variant is not expected to disrupt BACH2 protein function. This variant has not been reported in the literature in individuals affected with BACH2-related conditions. This variant is not present in population databases (gnomAD no frequency). This sequence change replaces glycine, which is neutral and non-polar, with arginine, which is basic and polar, at codon 471 of the BACH2 protein (p.Gly471Arg).